The following is an entry in ClinVar:

ClinVar aggregate classification (germline): Uncertain significance (1 of 4 stars; one submission).

Submission:

GeneDx
Classification: Uncertain significance. Last evaluated: 2026-03-23. Review status: criteria provided, single submitter. Criteria: GeneDx Variant Classification Process June 2021. Collection method: clinical testing. Allele origin: germline.
Comment: Canonical splice site variant predicted to result in a null allele in a gene for which loss of function is a known mechanism of disease; Has not been previously published as pathogenic or benign to our knowledge

NM_001080453.3(INTS1):c.2517-2_2517-1del

Gene: INTS1 (integrator complex subunit 1; minus strand). Cytogenetic location: 7p22.3.
Variant type: Deletion.
Coding change: c.2517-2_2517-1del on transcript NM_001080453.3 (MANE Select); the canonical splice acceptor site of the intron before coding-DNA position 2517, 2 bases deleted (AG; older notation c.2517-2_2517-1delAG).
Molecular consequence: splice acceptor variant.
Genome position (GRCh38, 1-based): chr7:1,487,450-1,487,451, CT deleted on the plus strand (AG on the coding strand, the reverse complement: INTS1 is on the minus strand). VCF-style (leftmost placement, unchanged base first): chr7-1487449-CCT-C. GRCh37 (hg19) VCF-style: chr7-1527085-CCT-C.
Identifiers: ClinVar variation 5017057 (VCV005017057.1).